The following is an entry in ClinVar:

ClinVar aggregate classification (germline): Uncertain significance. Review status: criteria provided, multiple submitters, no conflicts (2 of 4 stars). 2 submissions from 2 submitters: Uncertain significance (2). Last evaluated 2025-07-18.

Conditions:
Inborn genetic diseases. Identifiers: MedGen C0950123, MeSH D030342.
Baller-Gerold syndrome (BGS). Also called: CRANIOSYNOSTOSIS WITH RADIAL DEFECTS. Identifiers: Orphanet 1225, MedGen C0265308, MONDO:0009039, OMIM 218600.

Submissions (2):

Ambry Genetics
Classification: Uncertain significance for Inborn genetic diseases. Last evaluated: 2025-07-18. Review status: criteria provided, single submitter. Criteria: Ambry Variant Classification Scheme 2023. Collection method: clinical testing. Allele origin: germline.
Comment: The p.S555W variant (also known as c.1664C>G), located in coding exon 10 of the RECQL4 gene, results from a C to G substitution at nucleotide position 1664. The serine at codon 555 is replaced by tryptophan, an amino acid with highly dissimilar properties. This amino acid position is conserved. In addition, this alteration is predicted to be deleterious by in silico analysis. Based on the available evidence, the clinical significance of this variant remains unclear.

Labcorp Genetics (formerly Invitae), Labcorp
Classification: Uncertain significance for Baller-Gerold syndrome. Last evaluated: 2023-08-25. Review status: criteria provided, single submitter. Criteria: Invitae Variant Classification Sherloc (09022015). Collection method: clinical testing. Allele origin: germline.
Comment: This sequence change replaces serine, which is neutral and polar, with tryptophan, which is neutral and slightly polar, at codon 555 of the RECQL4 protein (p.Ser555Trp). This variant is not present in population databases (gnomAD no frequency). In summary, the available evidence is currently insufficient to determine the role of this variant in disease. Therefore, it has been classified as a Variant of Uncertain Significance. Advanced modeling of protein sequence and biophysical properties (such as structural, functional, and spatial information, amino acid conservation, physicochemical variation, residue mobility, and thermodynamic stability) performed at Invitae indicates that this missense variant is expected to disrupt RECQL4 protein function. ClinVar contains an entry for this variant (Variation ID: 2163391). This variant has not been reported in the literature in individuals affected with RECQL4-related conditions.

NM_004260.4(RECQL4):c.1664C>G (p.Ser555Trp)

Gene: RECQL4 (RecQ like helicase 4; minus strand). Cytogenetic location: 8q24.3.
Variant type: single nucleotide variant.
Coding change: c.1664C>G on transcript NM_004260.4 (MANE Select); coding-DNA position 1664, C replaced by G.
Protein change: p.Ser555Trp; replaces serine 555 with tryptophan.
Molecular consequence: missense variant.
Genome position (GRCh38, 1-based): chr8:144,514,482, G>C on the plus strand (C>G on the coding strand, the complement: RECQL4 is on the minus strand). VCF-style: chr8-144514482-G-C. GRCh37 (hg19) VCF-style: chr8-145739866-G-C.
Other names: c.1664C>G (NM_004260.3); c.593C>G, p.Ser198Trp (NM_001413024.1, NM_001413028.1, NM_001413034.1 and 7 more transcripts); c.1535C>G, p.Ser512Trp (NM_001413025.1); c.527C>G, p.Ser176Trp (NM_001413027.1, NM_001413030.1, NM_001413031.1 and 2 more transcripts); c.1313C>G, p.Ser438Trp (NM_001413029.1); c.1664C>G, p.Ser555Trp (NM_001413033.1, NM_001413018.1, NM_001413019.1 and 1 more transcripts); c.1568C>G, p.Ser523Trp (NM_001413017.1, NM_001413020.1); c.1634C>G, p.Ser545Trp (NM_001413039.1); and 2 more; short protein forms S523W, S545W, S555W, S176W, S188W, S438W, S198W, S512W.
Identifiers: ClinVar variation 2163391 (VCV002163391.5), dbSNP rs755425093, ClinGen allele CA372681729.
Genomic context (GRCh38, chr8:144,514,482, plus strand): 5'-TAGGCCCATGAGGCCCCCACCTTCTGCAGGACAGATTCCCGTTGCTTCCTGGTCATGCCC[G>C]AGTGTATGCAGGCCGCCTTGAGACACGGTGGCAGGCCAGACACCTGCAAATGCAGGAGCG-3'
Protein context (NP_004251.4, residues 545-565): PPCLKAACIH[Ser555Trp]GMTRKQRESV